The following is an entry in ClinVar:

NM_000286.3(PEX12):c.628G>T (p.Ala210Ser)

Gene: PEX12 (peroxisomal biogenesis factor 12; minus strand). Cytogenetic location: 17q12.
Variant type: single nucleotide variant.
Coding change: c.628G>T on transcript NM_000286.3 (MANE Select); coding-DNA position 628, G replaced by T.
Protein change: p.Ala210Ser; replaces alanine 210 with serine.
Molecular consequence: missense variant.
Genome position (GRCh38, 1-based): chr17:35,577,090, C>A on the plus strand (G>T on the coding strand, the complement: PEX12 is on the minus strand). VCF-style: chr17-35577090-C-A. GRCh37 (hg19) VCF-style: chr17-33904109-C-A.
Other names: short protein forms A210S.
Identifiers: ClinVar variation 1358562 (VCV001358562.5), dbSNP rs763285439, ClinGen allele CA8504879.

ClinVar aggregate classification (germline): Uncertain significance (1 of 4 stars; one submission).

Conditions:
Peroxisome biogenesis disorder 3A (Zellweger). Also called: PEROXISOMAL BIOGENESIS DISORDER 3A (ZELLWEGER); Peroxisome biogenesis disorder 3A. Identifiers: Orphanet 912, MedGen C3553929, MONDO:0013927, OMIM 614859.

Allele frequency attached by ClinVar (database versions not stated): TOPMed below 0.00001; gnomAD 0.00001; ExAC 0.00002.
gnomAD v4.1: 4 of 1,614,050 alleles (0.00025%); highest among the groups gnomAD compares: Non-Finnish European, 0.00034%; no homozygotes.

Submission:

Labcorp Genetics (formerly Invitae), Labcorp
Classification: Uncertain significance for Peroxisome biogenesis disorder 3A (Zellweger). Last evaluated: 2022-10-05. Review status: criteria provided, single submitter. Criteria: Invitae Variant Classification Sherloc (09022015). Collection method: clinical testing. Allele origin: germline.
Comment: This sequence change replaces alanine, which is neutral and non-polar, with serine, which is neutral and polar, at codon 210 of the PEX12 protein (p.Ala210Ser). This variant is present in population databases (rs763285439, gnomAD 0.002%). This variant has not been reported in the literature in individuals affected with PEX12-related conditions. ClinVar contains an entry for this variant (Variation ID: 1358562). Advanced modeling of protein sequence and biophysical properties (such as structural, functional, and spatial information, amino acid conservation, physicochemical variation, residue mobility, and thermodynamic stability) performed at Invitae indicates that this missense variant is not expected to disrupt PEX12 protein function. In summary, the available evidence is currently insufficient to determine the role of this variant in disease. Therefore, it has been classified as a Variant of Uncertain Significance.